The following is an entry in ClinVar:

NM_002700.3(POU4F3):c.179T>C (p.Leu60Pro)

Genes: POU4F3 (POU class 4 homeobox 3; plus strand), LOC127814297 (RBM27-POU4F3; plus strand). Cytogenetic location: 5q32.
Variant type: single nucleotide variant.
Coding change: c.179T>C on transcript NM_002700.3 (MANE Select); coding-DNA position 179, T replaced by C.
Protein change: p.Leu60Pro; replaces leucine 60 with proline.
Molecular consequence: missense variant. On other transcripts: 3 prime UTR variant (1).
Genome position (GRCh38, 1-based): chr5:146,339,606, T>C. VCF-style: chr5-146339606-T-C. GRCh37 (hg19) VCF-style: chr5-145719169-T-C.
Other names: c.*48T>C (NM_001414499.1); short protein forms L60P.
Identifiers: ClinVar variation 3371271 (VCV003371271.1).

ClinVar aggregate classification (germline): Uncertain significance (1 of 4 stars; one submission).

Submission:

GeneDx
Classification: Uncertain significance. Last evaluated: 2024-04-01. Review status: criteria provided, single submitter. Criteria: GeneDx Variant Classification Process June 2021. Collection method: clinical testing. Allele origin: germline. Affected: yes.
Comment: Not observed at significant frequency in large population cohorts (gnomAD); In silico analysis supports that this missense variant has a deleterious effect on protein structure/function; Has not been previously published as pathogenic or benign to our knowledge